The following is an entry in ClinVar:

NM_017636.4(TRPM4):c.634C>T (p.Arg212Trp)

Gene: TRPM4 (transient receptor potential cation channel subfamily M member 4; plus strand). Cytogenetic location: 19q13.33.
Variant type: single nucleotide variant.
Coding change: c.634C>T on transcript NM_017636.4 (MANE Select); coding-DNA position 634, C replaced by T.
Protein change: p.Arg212Trp; replaces arginine 212 with tryptophan.
Molecular consequence: missense variant. On other transcripts: 5 prime UTR variant (2).
Genome position (GRCh38, 1-based): chr19:49,168,574, C>T. VCF-style: chr19-49168574-C-T. GRCh37 (hg19) VCF-style: chr19-49671831-C-T.
Other names: c.634C>T, p.Arg212Trp (NM_001195227.2); c.289C>T, p.Arg97Trp (NM_001321281.2); c.-920C>T (NM_001321282.2); c.112C>T, p.Arg38Trp (NM_001321283.2); c.-216C>T (NM_001321285.2); short protein forms R212W, R38W, R97W.
Identifiers: ClinVar variation 663529 (VCV000663529.18), dbSNP rs759593186, ClinGen allele CA9568897.

ClinVar aggregate classification (germline): Conflicting classifications of pathogenicity. Review status: criteria provided, conflicting classifications (1 of 4 stars). 4 submissions from 4 submitters: Uncertain significance (3); Likely benign (1). Last evaluated 2025-04-11.

Conditions:
Progressive familial heart block type IB (PFHB1B). Identifiers: Orphanet 871, MedGen C1970298, MONDO:0011474, OMIM 604559.
Erythrokeratodermia variabilis et progressiva 6. Identifiers: MedGen C5193144, MONDO:0032801, OMIM 618531.
Cardiovascular phenotype. Identifiers: MedGen CN230736.

Allele frequency attached by ClinVar (database versions not stated): TOPMed below 0.00001; gnomAD 0.00001; gnomAD exomes 0.00002; ExAC 0.00003.
gnomAD v4.1: 66 of 1,613,680 alleles (0.0041%); highest among the groups gnomAD compares: South Asian, 0.0066%; no homozygotes.

Submissions (4):

Labcorp Genetics (formerly Invitae), Labcorp
Classification: Uncertain significance for Progressive familial heart block type IB. Last evaluated: 2025-04-11. Review status: criteria provided, single submitter. Criteria: Invitae Variant Classification Sherloc (09022015). Collection method: clinical testing. Allele origin: germline.
Comment: This sequence change replaces arginine, which is basic and polar, with tryptophan, which is neutral and slightly polar, at codon 212 of the TRPM4 protein (p.Arg212Trp). This variant is present in population databases (rs759593186, gnomAD 0.01%). This variant has not been reported in the literature in individuals affected with TRPM4-related conditions. ClinVar contains an entry for this variant (Variation ID: 663529). An algorithm developed to predict the effect of missense changes on protein structure and function (PolyPhen-2) suggests that this variant is likely to be disruptive. In summary, the available evidence is currently insufficient to determine the role of this variant in disease. Therefore, it has been classified as a Variant of Uncertain Significance.

Ambry Genetics
Classification: Likely benign for Cardiovascular phenotype. Last evaluated: 2024-07-29. Review status: criteria provided, single submitter. Criteria: Ambry Variant Classification Scheme 2023. Collection method: clinical testing. Allele origin: germline.

GeneDx
Classification: Uncertain significance. Last evaluated: 2024-05-20. Review status: criteria provided, single submitter. Criteria: GeneDx Variant Classification Process June 2021. Collection method: clinical testing. Allele origin: germline. Affected: yes.
Comment: Has not been previously published as pathogenic or benign to our knowledge; In silico analysis indicates that this missense variant does not alter protein structure/function

Fulgent Genetics
Classification: Uncertain significance for Progressive familial heart block type IB; Erythrokeratodermia variabilis et progressiva 6. Last evaluated: 2021-07-29. Review status: criteria provided, single submitter. Criteria: ACMG Guidelines, 2015. Collection method: clinical testing. Allele origin: unknown.